The following is an entry in ClinVar:

NM_004612.4(TGFBR1):c.810T>C (p.Asn270=)

Gene: TGFBR1 (transforming growth factor beta receptor 1; plus strand). Cytogenetic location: 9q22.33.
Variant type: single nucleotide variant.
Coding change: c.810T>C on transcript NM_004612.4 (MANE Select); coding-DNA position 810, T replaced by C.
Protein change: p.Asn270=; no amino-acid change (asparagine 270 retained).
Molecular consequence: synonymous variant.
Genome position (GRCh38, 1-based): chr9:99,142,540, T>C. VCF-style: chr9-99142540-T-C. GRCh37 (hg19) VCF-style: chr9-101904822-T-C.
Other names: c.579T>C, p.Asn193= (NM_001130916.3); c.822T>C, p.Asn274= (NM_001306210.2).
Identifiers: ClinVar variation 415028 (VCV000415028.24), dbSNP rs147388628, ClinGen allele CA043200.

ClinVar aggregate classification (germline): Benign/Likely benign. Review status: criteria provided, multiple submitters, no conflicts (2 of 4 stars). 7 submissions from 7 submitters: Benign (1); Likely benign (5). 1 of the submissions does not count toward it. Last evaluated 2025-12-13.

Conditions:
Familial thoracic aortic aneurysm and aortic dissection (TAAD). Also called: Thoracic aortic aneurysms and dissections. Identifiers: Orphanet 91387, MedGen C4707243, MONDO:0019625.
TGFBR1-related disorder. Also called: TGFBR1-related condition.

Allele frequency attached by ClinVar (database versions not stated): gnomAD exomes 0.00005 and 0.00007; ExAC 0.00008; 1000 Genomes Project 30x 0.00016; 1000 Genomes Project 0.00020; gnomAD 0.00023 and 0.00024; TOPMed 0.00029; ESP Exome Variant Server 0.00054.

Submissions (7):

Labcorp Genetics (formerly Invitae), Labcorp
Classification: Likely benign for Familial thoracic aortic aneurysm and aortic dissection. Last evaluated: 2025-12-13. Review status: criteria provided, single submitter. Criteria: Invitae Variant Classification Sherloc (09022015). Collection method: clinical testing. Allele origin: germline.

Women's Health and Genetics/Laboratory Corporation of America, LabCorp
Classification: Benign. Last evaluated: 2023-05-01. Review status: criteria provided, single submitter. Criteria: LabCorp Variant Classification Summary - May 2015. Collection method: clinical testing. Allele origin: germline.

Blueprint Genetics
Classification: Likely benign. Last evaluated: 2022-03-10. Review status: criteria provided, single submitter. Criteria: ACMG Guidelines, 2015. Collection method: clinical testing. Allele origin: germline.

GeneDx
Classification: Likely benign. Last evaluated: 2020-10-28. Review status: criteria provided, single submitter. Criteria: GeneDx Variant Classification Process June 2021. Collection method: clinical testing. Allele origin: germline. Affected: yes.

Color Diagnostics, LLC DBA Color Health
Classification: Likely benign for Familial thoracic aortic aneurysm and aortic dissection. Last evaluated: 2018-07-09. Review status: criteria provided, single submitter. Criteria: ACMG Guidelines, 2015. Collection method: clinical testing. Allele origin: germline.

Ambry Genetics
Classification: Likely benign for Familial thoracic aortic aneurysm and aortic dissection. Last evaluated: 2017-05-26. Review status: criteria provided, single submitter. Criteria: Ambry Variant Classification Scheme 2023. Collection method: clinical testing. Allele origin: germline.

PreventionGenetics, part of Exact Sciences
Classification: Likely benign for TGFBR1-related condition. Last evaluated: 2023-11-29. Review status: no assertion criteria provided. Collection method: clinical testing. Allele origin: germline. Not counted in ClinVar's aggregate classification.
Comment: This variant is classified as likely benign based on ACMG/AMP sequence variant interpretation guidelines (Richards et al. 2015 PMID: 25741868, with internal and published modifications).